The following is an entry in ClinVar:

ClinVar aggregate classification (germline): Likely pathogenic (1 of 4 stars; one submission).

Conditions:
Hearing loss, autosomal recessive 111. Also called: DEAFNESS, AUTOSOMAL RECESSIVE 111. Identifiers: MedGen C4748374, MONDO:0029142, OMIM 618145.

gnomAD v4.1: 29 of 1,613,688 alleles (0.0018%); highest among the groups gnomAD compares: South Asian, 0.0077%; no homozygotes.

Submission:

First Genomix Gene Laboratory, Genetic Diagnostics Department
Classification: Likely pathogenic for Hearing loss, autosomal recessive 111. Last evaluated: 2025-05-30. Review status: criteria provided, single submitter. Criteria: ACMG Guidelines, 2015. Collection method: clinical testing. Allele origin: germline. Inheritance: Autosomal recessive inheritance. Affected: no. Observed: 1 variant allele.

NM_005797.4(MPZL2):c.584+1G>A

Gene: MPZL2 (myelin protein zero like 2; minus strand). Cytogenetic location: 11q23.3.
Variant type: single nucleotide variant.
Coding change: c.584+1G>A on transcript NM_005797.4 (MANE Select); the canonical splice donor site of the intron after coding-DNA position 584, G replaced by A.
Molecular consequence: splice donor variant.
Genome position (GRCh38, 1-based): chr11:118,260,053, C>T on the plus strand (G>A on the coding strand, the complement: MPZL2 is on the minus strand). VCF-style: chr11-118260053-C-T. GRCh37 (hg19) VCF-style: chr11-118130768-C-T.
Other names: c.584+1G>A (NM_144765.3).
Identifiers: ClinVar variation 4849426 (VCV004849426.1).